The following is an entry in ClinVar:

ClinVar aggregate classification (germline): Uncertain significance (1 of 4 stars; one submission).

Conditions:
Neurodevelopmental disorder with speech impairment and with or without seizures. Also called: Neurodevelopmental disorder with variable intellectual disability and speech impairment, with or without seizures. Identifiers: MedGen C5774252, MONDO:0859313, OMIM 620114.

gnomAD v4.1: 3 of 1,572,092 alleles (0.00019%); highest among the groups gnomAD compares: Admixed American, 0.0018%; no homozygotes.

Submission:

Laboratorio de Genetica e Diagnostico Molecular, Hospital Israelita Albert Einstein
Classification: Uncertain significance for Neurodevelopmental disorder with speech impairment and with or without seizures. Last evaluated: 2023-09-28. Review status: criteria provided, single submitter. Criteria: ACMG Guidelines, 2015. Collection method: clinical testing. Allele origin: germline. Affected: yes.
Comment: ACMG classification criteria: PM2 moderate

NM_021096.4(CACNA1I):c.5056-10T>C

Gene: CACNA1I (calcium voltage-gated channel subunit alpha1 I; plus strand). Cytogenetic location: 22q13.1.
Variant type: single nucleotide variant.
Coding change: c.5056-10T>C on transcript NM_021096.4 (MANE Select); 10 bases into the intron before coding-DNA position 5056, T replaced by C.
Molecular consequence: intron variant.
Genome position (GRCh38, 1-based): chr22:39,679,097, T>C. VCF-style: chr22-39679097-T-C. GRCh37 (hg19) VCF-style: chr22-40075102-T-C.
Other names: c.4951-10T>C (NM_001003406.2).
Identifiers: ClinVar variation 3902035 (VCV003902035.1).